The following is an entry in ClinVar:

ClinVar aggregate classification (germline): Uncertain significance. Review status: criteria provided, multiple submitters, no conflicts (2 of 4 stars). 2 submissions from 2 submitters: Uncertain significance (2). Last evaluated 2025-08-07.

Conditions:
Inborn genetic diseases. Identifiers: MedGen C0950123, MeSH D030342.

Allele frequency attached by ClinVar (database versions not stated): TOPMed 0.00003; gnomAD 0.00004; gnomAD exomes 0.00008; ExAC 0.00003.

Submissions (2):

GeneDx
Classification: Uncertain significance. Last evaluated: 2025-08-07. Review status: criteria provided, single submitter. Criteria: GeneDx Variant Classification Process June 2021. Collection method: clinical testing. Allele origin: germline. Affected: yes.
Comment: Not observed at significant frequency in large population cohorts (gnomAD); In silico analysis supports a deleterious effect on splicing; Has not been previously published as pathogenic or benign to our knowledge

Ambry Genetics
Classification: Uncertain significance for Inborn genetic diseases. Last evaluated: 2021-01-27. Review status: criteria provided, single submitter. Criteria: Ambry Variant Classification Scheme 2023. Collection method: clinical testing. Allele origin: germline.
Comment: The c.3181-6G>A intronic alteration consists of a G to A substitution 6 nucleotides before coding exon 30 in the VARS2 gene. In silico splice site analysis predicts that this alteration will result in the creation or strengthening of a novel splice acceptor site. Based on insufficient or conflicting evidence, the clinical significance of this alteration remains unclear.

NM_020442.6(VARS2):c.3091-6G>A

Gene: VARS2 (valyl-tRNA synthetase 2, mitochondrial; plus strand). Cytogenetic location: 6p21.33.
Variant type: single nucleotide variant.
Coding change: c.3091-6G>A on transcript NM_020442.6 (MANE Select); 6 bases into the intron before coding-DNA position 3091, G replaced by A.
Molecular consequence: intron variant.
Genome position (GRCh38, 1-based): chr6:30,926,103, G>A. VCF-style: chr6-30926103-G-A. GRCh37 (hg19) VCF-style: chr6-30893880-G-A.
Other names: c.3181-6G>A (NM_001167734.2); c.2671-6G>A (NM_001167733.3).
Identifiers: ClinVar variation 510070 (VCV000510070.8), dbSNP rs753415520, ClinGen allele CA3706463.